The following is an entry in ClinVar:

ClinVar aggregate classification (germline): Uncertain significance (1 of 4 stars; one submission).

Conditions:
Inborn genetic diseases. Identifiers: MedGen C0950123, MeSH D030342.

Submission:

Ambry Genetics
Classification: Uncertain significance for Inborn genetic diseases. Last evaluated: 2022-12-23. Review status: criteria provided, single submitter. Criteria: Ambry Variant Classification Scheme 2023. Collection method: clinical testing. Allele origin: germline.
Comment: The p.N25S variant (also known as c.74A>G), located in coding exon 1 of the LRRK2 gene, results from an A to G substitution at nucleotide position 74. The asparagine at codon 25 is replaced by serine, an amino acid with highly similar properties. This amino acid position is conserved. In addition, this alteration is predicted to be tolerated by in silico analysis. Since supporting evidence is limited at this time, the clinical significance of this alteration remains unclear.

NM_198578.4(LRRK2):c.74A>G (p.Asn25Ser)

Gene: LRRK2 (leucine rich repeat kinase 2; plus strand). Cytogenetic location: 12q12.
Variant type: single nucleotide variant.
Coding change: c.74A>G on transcript NM_198578.4 (MANE Select); coding-DNA position 74, A replaced by G.
Protein change: p.Asn25Ser; replaces asparagine 25 with serine.
Molecular consequence: missense variant.
Genome position (GRCh38, 1-based): chr12:40,225,205, A>G. VCF-style: chr12-40225205-A-G. GRCh37 (hg19) VCF-style: chr12-40619007-A-G.
Other names: short protein forms N25S.
Identifiers: ClinVar variation 2453063 (VCV002453063.2), dbSNP rs2499330246, ClinGen allele CA384398464.